The following is an entry in ClinVar:

ClinVar aggregate classification (germline): Uncertain significance (1 of 4 stars; one submission).

Conditions:
Surfactant metabolism dysfunction, pulmonary, 4 (SMDP4). Also called: CSF2RA DEFICIENCY; PAP DUE TO CSF2RA DEFICIENCY; PULMONARY ALVEOLAR PROTEINOSIS, CONGENITAL, 4. Identifiers: Orphanet 264675, MedGen C2677877, MONDO:0010424, OMIM 300770.

Allele frequency attached by ClinVar (database versions not stated): gnomAD 0.00001; gnomAD exomes 0.00001 and 0.00002; ExAC 0.00002; TOPMed 0.00002; 1000 Genomes Project 30x 0.00021; 1000 Genomes Project 0.00026.
gnomAD v4.1: 26 of 1,613,806 alleles (0.0016%); highest among the groups gnomAD compares: African/African-American, 0.0093%; no homozygotes.

Submission:

Labcorp Genetics (formerly Invitae), Labcorp
Classification: Uncertain significance for Surfactant metabolism dysfunction, pulmonary, 4. Last evaluated: 2024-11-21. Review status: criteria provided, single submitter. Criteria: Invitae Variant Classification Sherloc (09022015). Collection method: clinical testing. Allele origin: germline.
Comment: This sequence change replaces valine, which is neutral and non-polar, with isoleucine, which is neutral and non-polar, at codon 148 of the CSF2RA protein (p.Val148Ile). This variant is present in population databases (no rsID available, gnomAD 0.01%). This variant has not been reported in the literature in individuals affected with CSF2RA-related conditions. ClinVar contains an entry for this variant (Variation ID: 1009889). Invitae Evidence Modeling of protein sequence and biophysical properties (such as structural, functional, and spatial information, amino acid conservation, physicochemical variation, residue mobility, and thermodynamic stability) indicates that this missense variant is not expected to disrupt CSF2RA protein function with a negative predictive value of 80%. In summary, the available evidence is currently insufficient to determine the role of this variant in disease. Therefore, it has been classified as a Variant of Uncertain Significance.

NM_172245.4(CSF2RA):c.442G>A (p.Val148Ile)

Gene: CSF2RA (colony stimulating factor 2 receptor subunit alpha; plus strand). Cytogenetic location: Xp22.33.
Variant type: single nucleotide variant.
Coding change: c.442G>A on transcript NM_172245.4 (MANE Select); coding-DNA position 442, G replaced by A.
Protein change: p.Val148Ile; replaces valine 148 with isoleucine.
Molecular consequence: missense variant. On other transcripts: non-coding transcript variant (1).
Genome position (GRCh38, 1-based): chrX:1,288,857, G>A. VCF-style: chrX-1288857-G-A. GRCh37 (hg19) VCF-style: chrX-1407750-G-A.
Other names: c.442G>A, p.Val148Ile (NM_001161529.2, NM_001161530.2, NM_001161531.2 and 20 more transcripts); c.43G>A, p.Val15Ile (NM_001161532.2); short protein forms V148I, V15I.
Identifiers: ClinVar variation 1009889 (VCV001009889.8), dbSNP rs201377602, ClinGen allele CA10330813.